The following is an entry in ClinVar:

NM_001042492.3(NF1):c.2883del (p.Glu962fs)

Gene: NF1 (neurofibromin 1; plus strand). Cytogenetic location: 17q11.2.
Variant type: Deletion.
Coding change: c.2883del on transcript NM_001042492.3 (MANE Select); coding-DNA position 2883, one base deleted (A; older notation c.2883delA).
Protein change: p.Glu962fs; shifts the reading frame from glutamic acid 962.
Molecular consequence: frameshift variant.
Genome position (GRCh38, 1-based): chr17:31,229,867, A deleted. VCF-style (leftmost placement, unchanged base first): chr17-31229866-TA-T. GRCh37 (hg19) VCF-style: chr17-29556884-TA-T.
Other names: c.2883delA, p.Glu962Asnfs (NM_000267.4); short protein forms E962fs.
Identifiers: ClinVar variation 936883 (VCV000936883.6), dbSNP rs2067083151, ClinGen allele CA1139665440.

ClinVar aggregate classification (germline): Pathogenic (1 of 4 stars; one submission).

Conditions:
Neurofibromatosis, type 1 (NF1). Also called: Peripheral type neurofibromatosis; VON RECKLINGHAUSEN DISEASE; Neurofibromatosis, type I; NEUROFIBROMATOSIS, TYPE I, SOMATIC. Identifiers: Orphanet 636, MedGen C0027831, MONDO:0018975, OMIM 162200. Disease mechanism: loss of function.

Submission:

Labcorp Genetics (formerly Invitae), Labcorp
Classification: Pathogenic for Neurofibromatosis, type 1. Last evaluated: 2019-09-17. Review status: criteria provided, single submitter. Criteria: Invitae Variant Classification Sherloc (09022015). Collection method: clinical testing. Allele origin: germline.
Comment: For these reasons, this variant has been classified as Pathogenic. Loss-of-function variants in NF1 are known to be pathogenic (PMID: 10712197, 23913538). This variant has not been reported in the literature in individuals with NF1-related conditions. This variant is not present in population databases (ExAC no frequency). This sequence change creates a premature translational stop signal (p.Glu962Asnfs*4) in the NF1 gene. It is expected to result in an absent or disrupted protein product.

Literature cited by the submitters: PubMed 10712197; PubMed 23913538.